The following is an entry in ClinVar:

NM_001113378.2(FANCI):c.2960C>T (p.Thr987Met)

Gene: FANCI (FA complementation group I; plus strand). Cytogenetic location: 15q26.1.
Variant type: single nucleotide variant.
Coding change: c.2960C>T on transcript NM_001113378.2 (MANE Select); coding-DNA position 2960, C replaced by T.
Protein change: p.Thr987Met; replaces threonine 987 with methionine.
Molecular consequence: missense variant.
Genome position (GRCh38, 1-based): chr15:89,301,396, C>T. VCF-style: chr15-89301396-C-T. GRCh37 (hg19) VCF-style: chr15-89844627-C-T.
Other names: c.2681C>T, p.Thr894Met (NM_001376910.1); c.2960C>T, p.Thr987Met (NM_001376911.1); c.2780C>T, p.Thr927Met (NM_018193.3); short protein forms T987M, T927M, T894M.
Identifiers: ClinVar variation 408238 (VCV000408238.14), dbSNP rs138432305, ClinGen allele CA7723529.
Genomic context (GRCh38, chr15:89,301,396, plus strand): 5'-TGAATTTACTTAGCAGTCAAGAGGAAGATTTTAATAGCAAAGAAGCCCTCCTGCTAGTCA[C>T]GGTTCTTACCAGTTTGTCCAAGTTACTGGAGCCCTCCTCTCCTCAGGTACTAGTACCGCT-3'
Protein context (NP_001106849.1, residues 977-997): FNSKEALLLV[Thr987Met]VLTSLSKLLE

ClinVar aggregate classification (germline): Uncertain significance. Review status: criteria provided, multiple submitters, no conflicts (2 of 4 stars). 3 submissions from 3 submitters: Uncertain significance (2). 1 of the submissions does not count toward it. Last evaluated 2024-12-16.

Conditions:
Colorectal cancer. Also called: Colorectal cancer, somatic; Malignant Colorectal Neoplasm. Identifiers: MedGen C0346629, MONDO:0005575, OMIM 114500.
Fanconi anemia (FA). Also called: Fanconi's anemia. Identifiers: Orphanet 84, MedGen C0015625, MeSH D005199, MONDO:0019391.
Fanconi anemia complementation group I (FANCI). Also called: FANCI-Related Fanconi Anemia. Identifiers: Orphanet 84, MedGen C1836861, MONDO:0012186, OMIM 609053.

Allele frequency attached by ClinVar (database versions not stated): gnomAD exomes 0.00002; ExAC 0.00003; gnomAD 0.00004 and 0.00005; TOPMed 0.00006; ESP Exome Variant Server 0.00015; 1000 Genomes Project 30x 0.00031; 1000 Genomes Project 0.00040.
gnomAD v4.1: 48 of 1,613,816 alleles (0.003%); highest among the groups gnomAD compares: African/African-American, 0.015%; no homozygotes.

Submissions (3):

Labcorp Genetics (formerly Invitae), Labcorp
Classification: Uncertain significance for Fanconi anemia. Last evaluated: 2024-12-16. Review status: criteria provided, single submitter. Criteria: Invitae Variant Classification Sherloc (09022015). Collection method: clinical testing. Allele origin: germline.
Comment: This sequence change replaces threonine, which is neutral and polar, with methionine, which is neutral and non-polar, at codon 987 of the FANCI protein (p.Thr987Met). This variant is present in population databases (rs138432305, gnomAD 0.01%). This variant has not been reported in the literature in individuals affected with FANCI-related conditions. ClinVar contains an entry for this variant (Variation ID: 408238). Invitae Evidence Modeling of protein sequence and biophysical properties (such as structural, functional, and spatial information, amino acid conservation, physicochemical variation, residue mobility, and thermodynamic stability) has been performed for this missense variant. However, the output from this modeling did not meet the statistical confidence thresholds required to predict the impact of this variant on FANCI protein function. In summary, the available evidence is currently insufficient to determine the role of this variant in disease. Therefore, it has been classified as a Variant of Uncertain Significance.

Fulgent Genetics
Classification: Uncertain significance for Fanconi anemia complementation group I. Last evaluated: 2024-01-02. Review status: criteria provided, single submitter. Criteria: ACMG Guidelines, 2015. Collection method: clinical testing. Allele origin: germline.

Division of Gastroenterology and Hepatology, Shanghai Institute of Digestive Disease, Shanghai Jiao Tong University School of Medicine.
Classification: Likely pathogenic for Colorectal cancer. Last evaluated: 2021-07-19. Review status: no assertion criteria provided. Collection method: research. Allele origin: germline. Inheritance: Autosomal dominant inheritance. Affected: yes. Observed: 1 variant allele, 1 heterozygote. Not counted in ClinVar's aggregate classification.
Comment: The Thr987Met variant in FANCI has been reported in 1 Chinese family with autosomal dominant predisposition in familial colorectal cancer (CRC).